The following is an entry in ClinVar:

ClinVar aggregate classification (germline): Pathogenic/Likely pathogenic. Review status: criteria provided, multiple submitters, no conflicts (2 of 4 stars). 5 submissions from 5 submitters: Pathogenic (3); Likely pathogenic (1). 1 of the submissions does not count toward it. Last evaluated 2023-09-27.

Conditions:
ABCA4-related disorder. Also called: ABCA4-related condition; ABCA4-related disorders. Identifiers: MedGen CN239167.

gnomAD v4.1: 1 of 1,605,050 alleles (0.000062%); no homozygotes.

Submissions (5):

Labcorp Genetics (formerly Invitae), Labcorp
Classification: Pathogenic. Last evaluated: 2023-09-27. Review status: criteria provided, single submitter. Criteria: Invitae Variant Classification Sherloc (09022015). Collection method: clinical testing. Allele origin: germline.
Comment: Disruption of this splice site has been observed in individuals with Stargardt disease (PMID: 23341817, 28947085). This sequence change affects an acceptor splice site in intron 5 of the ABCA4 gene. It is expected to disrupt RNA splicing. Variants that disrupt the donor or acceptor splice site typically lead to a loss of protein function (PMID: 16199547), and loss-of-function variants in ABCA4 are known to be pathogenic (PMID: 10958761, 24938718, 25312043, 26780318). This variant is not present in population databases (gnomAD no frequency). ClinVar contains an entry for this variant (Variation ID: 99400). Algorithms developed to predict the effect of sequence changes on RNA splicing suggest that this variant may disrupt the consensus splice site. For these reasons, this variant has been classified as Pathogenic.

Blueprint Genetics
Classification: Pathogenic for ABCA4-related disorders. Last evaluated: 2023-01-16. Review status: criteria provided, single submitter. Criteria: ACMG Guidelines, 2015. Collection method: clinical testing. Allele origin: germline. Affected: yes. Observed: 1 variant allele.

Institute of Medical Genetics and Applied Genomics, University Hospital Tübingen
Classification: Likely pathogenic. Last evaluated: 2020-10-23. Review status: criteria provided, single submitter. Criteria: ACMG Guidelines, 2015. Collection method: clinical testing. Allele origin: germline. Inheritance: Autosomal recessive inheritance. Affected: yes.

CeGaT Center for Human Genetics Tuebingen
Classification: Pathogenic. Last evaluated: 2017-02-01. Review status: criteria provided, single submitter. Criteria: CeGaT Center For Human Genetics Tuebingen Variant Classification Criteria Version 2. Collection method: clinical testing. Allele origin: germline. Affected: yes. Observed: 1 variant allele.

Retina International
No classification provided. Review status: no classification provided. Collection method: not provided. Allele origin: not provided. Not counted in ClinVar's aggregate classification.

Literature cited by the submitters: PubMed 23341817 (cited by Labcorp Genetics (formerly Invitae), Labcorp); PubMed 28947085 (cited by Labcorp Genetics (formerly Invitae), Labcorp); PubMed 16199547 (cited by Labcorp Genetics (formerly Invitae), Labcorp); PubMed 10958761 (cited by Labcorp Genetics (formerly Invitae), Labcorp); PubMed 24938718 (cited by Labcorp Genetics (formerly Invitae), Labcorp); PubMed 25312043 (cited by Labcorp Genetics (formerly Invitae), Labcorp); PubMed 26780318 (cited by Labcorp Genetics (formerly Invitae), Labcorp).

NM_000350.3(ABCA4):c.571-1G>T

Gene: ABCA4 (ATP binding cassette subfamily A member 4; minus strand). Cytogenetic location: 1p22.1.
Variant type: single nucleotide variant.
Coding change: c.571-1G>T on transcript NM_000350.3 (MANE Select); the canonical splice acceptor site of the intron before coding-DNA position 571, G replaced by T.
Molecular consequence: splice acceptor variant.
Genome position (GRCh38, 1-based): chr1:94,098,992, C>A on the plus strand (G>T on the coding strand, the complement: ABCA4 is on the minus strand). VCF-style: chr1-94098992-C-A. GRCh37 (hg19) VCF-style: chr1-94564548-C-A.
Identifiers: ClinVar variation 99400 (VCV000099400.52), dbSNP rs61748533, ClinGen allele CA227335.
Genomic context (GRCh38, chr1:94,098,992, plus strand): 5'-CAGGAGGGCCTCGCTGCAGGCGATGTCCTTCAGCGCCAGGTCCGGGACTCCATGAGCGAA[C>A]TGCAGGGAGAAGAGGCAACACTAGAAACTGCCCTGTGGTAGGAAAGACACCCACGTCCTA-3'